The following is an entry in ClinVar:

NM_000382.3(ALDH3A2):c.1189_1190del (p.Phe397fs)

Gene: ALDH3A2 (aldehyde dehydrogenase 3 family member A2; plus strand). Cytogenetic location: 17p11.2.
Variant type: Deletion.
Coding change: c.1189_1190del on transcript NM_000382.3 (MANE Select); coding-DNA positions 1189 to 1190, 2 bases deleted (TT; older notation c.1189_1190delTT).
Protein change: p.Phe397fs; shifts the reading frame from phenylalanine 397.
Molecular consequence: frameshift variant.
Genome position (GRCh38, 1-based): chr17:19,665,029-19,665,030, TT deleted; deleting any 2 consecutive bases within chr17:19,665,028-19,665,030 gives the same sequence; the c. name uses the placement nearest the transcript's 3' end. VCF-style (leftmost placement, unchanged base first): chr17-19665027-CTT-C. GRCh37 (hg19) VCF-style: chr17-19568340-CTT-C.
Other names: c.1189_1190del, p.Phe397fs (NM_001031806.2, NM_001369136.1, NM_001369137.2 and 3 more transcripts); c.610_611del, p.Phe204fs (NM_001369148.2); short protein forms F397fs, F204fs.
Identifiers: ClinVar variation 2817578 (VCV002817578.4), dbSNP rs2544393411, ClinGen allele CA2695224573.

ClinVar aggregate classification (germline): Pathogenic (1 of 4 stars; one submission).

Submission:

Labcorp Genetics (formerly Invitae), Labcorp
Classification: Pathogenic. Last evaluated: 2023-10-15. Review status: criteria provided, single submitter. Criteria: Invitae Variant Classification Sherloc (09022015). Collection method: clinical testing. Allele origin: germline.
Comment: This sequence change creates a premature translational stop signal (p.Phe397Profs*18) in the ALDH3A2 gene. It is expected to result in an absent or disrupted protein product. Loss-of-function variants in ALDH3A2 are known to be pathogenic (PMID: 10577908, 10854114). This variant is not present in population databases (gnomAD no frequency). This variant has not been reported in the literature in individuals affected with ALDH3A2-related conditions. For these reasons, this variant has been classified as Pathogenic.

Literature cited by the submitters: PubMed 10577908; PubMed 10854114.